The following is an entry in ClinVar:

NM_001099289.3(SH3RF3):c.902T>G (p.Met301Arg)

Genes: RANBP2 (RAN binding protein 2; plus strand), SH3RF3 (SH3 domain containing ring finger 3; plus strand). Cytogenetic location: 2q13.
Variant type: single nucleotide variant.
Coding change: c.902T>G on transcript NM_001099289.3 (MANE Select); coding-DNA position 902, T replaced by G.
Protein change: p.Met301Arg; replaces methionine 301 with arginine.
Molecular consequence: missense variant.
Genome position (GRCh38, 1-based): chr2:109,371,638, T>G. VCF-style: chr2-109371638-T-G. GRCh37 (hg19) VCF-style: chr2-109988094-T-G.
Other names: short protein forms M301R.
Identifiers: ClinVar variation 3161426 (VCV003161426.1), dbSNP rs764419411, ClinGen allele CA1825483.
Genomic context (GRCh38, chr2:109,371,638, plus strand): 5'-AACTGCAGGACGAGATTCTGACGGTGCTCAGGAGAGTGGATGAGAACTGGGCGGAAGGCA[T>G]GCTGGGAGACAAGATCGGGATCTTCCCGCTCCTGTACGTGGAGGTAAGACCGTGCCGCCC-3'
Protein context (NP_001092759.1, residues 291-311): RRVDENWAEG[Met301Arg]LGDKIGIFPL

ClinVar aggregate classification (germline): Uncertain significance (1 of 4 stars; one submission).

Allele frequency attached by ClinVar (database versions not stated): ExAC 0.00001; gnomAD 0.00001; TOPMed 0.00003; gnomAD exomes 0.00004.
gnomAD v4.1: 71 of 1,613,880 alleles (0.0044%); highest among the groups gnomAD compares: Non-Finnish European, 0.0053%; no homozygotes.

Submission:

Ambry Genetics
Classification: Uncertain significance. Last evaluated: 2023-12-13. Review status: criteria provided, single submitter. Criteria: Ambry Variant Classification Scheme 2023. Collection method: clinical testing. Allele origin: germline.
Comment: The c.902T>G (p.M301R) alteration is located in exon (coding exon ) of the SH3RF3 gene. This alteration results from a T to G substitution at nucleotide position 902, causing the methionine (M) at amino acid position 301 to be replaced by an arginine (R). Based on insufficient or conflicting evidence, the clinical significance of this alteration remains unclear.